The following is an entry in ClinVar:

ClinVar aggregate classification (germline): Uncertain significance. Review status: criteria provided, multiple submitters, no conflicts (2 of 4 stars). 2 submissions from 2 submitters: Uncertain significance (2). Last evaluated 2024-03-20.

Submissions (2):

Labcorp Genetics (formerly Invitae), Labcorp
Classification: Uncertain significance. Last evaluated: 2024-03-20. Review status: criteria provided, single submitter. Criteria: Invitae Variant Classification Sherloc (09022015). Collection method: clinical testing. Allele origin: germline.
Comment: This sequence change replaces alanine, which is neutral and non-polar, with serine, which is neutral and polar, at codon 1773 of the FAT4 protein (p.Ala1773Ser). This variant is not present in population databases (gnomAD no frequency). This variant has not been reported in the literature in individuals affected with FAT4-related conditions. ClinVar contains an entry for this variant (Variation ID: 424048). Advanced modeling of protein sequence and biophysical properties (such as structural, functional, and spatial information, amino acid conservation, physicochemical variation, residue mobility, and thermodynamic stability) performed at Invitae indicates that this missense variant is not expected to disrupt FAT4 protein function with a negative predictive value of 95%. In summary, the available evidence is currently insufficient to determine the role of this variant in disease. Therefore, it has been classified as a Variant of Uncertain Significance.

GeneDx
Classification: Uncertain significance. Last evaluated: 2017-03-03. Review status: criteria provided, single submitter. Criteria: GeneDx Variant Classification (06012015). Collection method: clinical testing. Allele origin: germline. Affected: yes.
Comment: The A1773S variant in the FAT4 gene has not been reported previously as a pathogenic variant, nor as a benign variant, to our knowledge. The A1773S variant is not observed in large population cohorts (Lek et al., 2016; 1000 Genomes Consortium et al., 2015; Exome Variant Server). The A1773S variant is a non-conservative amino acid substitution, which is likely to impact secondary protein structure as these residues differ in polarity, charge, size and/or other properties. This substitution occurs at a position that is conserved across species. In silico analysis is inconsistent in its predictions as to whether or not the variant is damaging to the protein structure/function. We interpret A1773S as a variant of uncertain significance.

NM_001291303.3(FAT4):c.5317G>T (p.Ala1773Ser)

Gene: FAT4 (FAT atypical cadherin 4; plus strand). Cytogenetic location: 4q28.1.
Variant type: single nucleotide variant.
Coding change: c.5317G>T on transcript NM_001291303.3 (MANE Select); coding-DNA position 5317, G replaced by T.
Protein change: p.Ala1773Ser; replaces alanine 1773 with serine.
Molecular consequence: missense variant.
Genome position (GRCh38, 1-based): chr4:125,406,889, G>T. VCF-style: chr4-125406889-G-T. GRCh37 (hg19) VCF-style: chr4-126328044-G-T.
Other names: c.5317G>T, p.Ala1773Ser (NM_001291285.3, NM_024582.6); short protein forms A1773S.
Identifiers: ClinVar variation 424048 (VCV000424048.4), dbSNP rs750458935, ClinGen allele CA16618032.
Genomic context (GRCh38, chr4:125,406,889, plus strand): 5'-AGCAATGCTTTTCTACTTCCAATAGCTCAGATGCTTGGTCTCTTTTTTTAGGGTGCAAAT[G>T]CTCTCGTCACATACACTATCATTAGTGGAGCTGATGATAGTTTTCGCATCGACCCAGAAT-3'
Protein context (NP_001278232.1, residues 1763-1783): TAMDADEGAN[Ala1773Ser]LVTYTIISGA